The following is an entry in ClinVar:

NM_023036.6(DNAI2):c.1763del (p.Gly588fs)

Gene: DNAI2 (dynein axonemal intermediate chain 2; plus strand). Cytogenetic location: 17q25.1.
Variant type: Deletion.
Coding change: c.1763del on transcript NM_023036.6 (MANE Select); coding-DNA position 1763, one base deleted (G; older notation c.1763delG).
Protein change: p.Gly588fs; shifts the reading frame from glycine 588.
Molecular consequence: frameshift variant. On other transcripts: non-coding transcript variant (1).
Genome position (GRCh38, 1-based): chr17:74,314,161, G deleted; the last of 3 consecutive G bases (chr17:74,314,159-74,314,161); deleting any one gives the same sequence. VCF-style (leftmost placement, unchanged base first): chr17-74314158-AG-A. GRCh37 (hg19) VCF-style: chr17-72310297-AG-A.
Other names: c.1727del, p.Gly576fs (NM_001172810.3); c.1895del, p.Gly632fs (NM_001353167.2); short protein forms G576fs, G588fs, G632fs.
Identifiers: ClinVar variation 951640 (VCV000951640.8), dbSNP rs2053693881, ClinGen allele CA1139665872.

ClinVar aggregate classification (germline): Pathogenic (1 of 4 stars; one submission).

Conditions:
Primary ciliary dyskinesia. Also called: Ciliary dyskinesia. Identifiers: Orphanet 244, MedGen C0008780, MONDO:0016575, HP:0012265.

Submission:

Labcorp Genetics (formerly Invitae), Labcorp
Classification: Pathogenic for Primary ciliary dyskinesia. Last evaluated: 2023-11-04. Review status: criteria provided, single submitter. Criteria: Invitae Variant Classification Sherloc (09022015). Collection method: clinical testing. Allele origin: germline.
Comment: This sequence change creates a premature translational stop signal (p.Gly588Glufs*17) in the DNAI2 gene. It is expected to result in an absent or disrupted protein product. Loss-of-function variants in DNAI2 are known to be pathogenic (PMID: 18950741, 23891469). This variant is not present in population databases (gnomAD no frequency). This variant has not been reported in the literature in individuals affected with DNAI2-related conditions. ClinVar contains an entry for this variant (Variation ID: 951640). For these reasons, this variant has been classified as Pathogenic.

Literature cited by the submitters: PubMed 18950741; PubMed 23891469.